The following is an entry in ClinVar:

NM_032830.3(UTP4):c.976G>A (p.Ala326Thr)

Gene: UTP4 (UTP4 small subunit processome component). Cytogenetic location: 16q22.1.
Variant type: single nucleotide variant.
Coding change: c.976G>A on transcript NM_032830.3 (MANE Select); coding-DNA position 976, G replaced by A.
Protein change: p.Ala326Thr; replaces alanine 326 with threonine.
Molecular consequence: missense variant.
Genome position (GRCh38, 1-based): chr16:69,150,878, G>A. VCF-style: chr16-69150878-G-A. GRCh37 (hg19) VCF-style: chr16-69184781-G-A.
Other names: c.976G>A (NM_032830.2); c.727G>A, p.Ala243Thr (NM_001318391.2); short protein forms A326T, A243T.
Identifiers: ClinVar variation 3014913 (VCV003014913.4), dbSNP rs763509506, ClinGen allele CA8132236.

ClinVar aggregate classification (germline): Uncertain significance. Review status: criteria provided, multiple submitters, no conflicts (2 of 4 stars). 2 submissions from 2 submitters: Uncertain significance (2). Last evaluated 2026-06-10.

Conditions:
UTP4-related disorder. Also called: UTP4-related condition.

Allele frequency attached by ClinVar (database versions not stated): gnomAD 0.00001; TOPMed 0.00002; gnomAD exomes 0.00003.
gnomAD v4.1: 51 of 1,613,658 alleles (0.0032%); highest among the groups gnomAD compares: Middle Eastern, 0.05%; 1 homozygote.

Submissions (2):

PreventionGenetics, part of Exact Sciences
Classification: Uncertain significance for UTP4-related condition. Last evaluated: 2026-06-10. Review status: criteria provided, single submitter. Criteria: ACMG Guidelines, 2015. Collection method: clinical testing. Allele origin: germline.
Comment: The UTP4 c.976G>A variant is predicted to result in the amino acid substitution p.Ala326Thr. To our knowledge, this variant has not been reported in the literature. This variant is reported in 0.0065% of alleles in individuals of South Asian descent in gnomAD. At this time, the clinical significance of this variant is uncertain due to the absence of conclusive functional and genetic evidence.

Labcorp Genetics (formerly Invitae), Labcorp
Classification: Uncertain significance. Last evaluated: 2024-10-23. Review status: criteria provided, single submitter. Criteria: Invitae Variant Classification Sherloc (09022015). Collection method: clinical testing. Allele origin: germline.
Comment: This sequence change replaces alanine, which is neutral and non-polar, with threonine, which is neutral and polar, at codon 326 of the UTP4 protein (p.Ala326Thr). This variant is present in population databases (rs763509506, gnomAD 0.006%). This variant has not been reported in the literature in individuals affected with UTP4-related conditions. An algorithm developed to predict the effect of missense changes on protein structure and function (PolyPhen-2) suggests that this variant is likely to be disruptive. In summary, the available evidence is currently insufficient to determine the role of this variant in disease. Therefore, it has been classified as a Variant of Uncertain Significance.